The following is an entry in ClinVar:

NM_178452.6(DNAAF1):c.1816A>G (p.Ile606Val)

Gene: DNAAF1 (dynein axonemal assembly factor 1; plus strand). Cytogenetic location: 16q24.1.
Variant type: single nucleotide variant.
Coding change: c.1816A>G on transcript NM_178452.6 (MANE Select); coding-DNA position 1816, A replaced by G.
Protein change: p.Ile606Val; replaces isoleucine 606 with valine.
Molecular consequence: missense variant.
Genome position (GRCh38, 1-based): chr16:84,176,050, A>G. VCF-style: chr16-84176050-A-G. GRCh37 (hg19) VCF-style: chr16-84209656-A-G.
Other names: c.1108A>G, p.Ile370Val (NM_001318756.1); short protein forms I606V, I370V.
Identifiers: ClinVar variation 525338 (VCV000525338.10), dbSNP rs146607878, ClinGen allele CA8203041.

ClinVar aggregate classification (germline): Uncertain significance. Review status: criteria provided, multiple submitters, no conflicts (2 of 4 stars). 2 submissions from 2 submitters: Uncertain significance (2). Last evaluated 2023-03-15.

Conditions:
Primary ciliary dyskinesia. Also called: Ciliary dyskinesia. Identifiers: Orphanet 244, MedGen C0008780, MONDO:0016575, HP:0012265.

Allele frequency attached by ClinVar (database versions not stated): gnomAD exomes 0.00001 and 0.00003; ExAC 0.00004; ESP Exome Variant Server 0.00008; gnomAD 0.00010 and 0.00011; TOPMed 0.00014; 1000 Genomes Project 0.00040; 1000 Genomes Project 30x 0.00047.

Submissions (2):

Labcorp Genetics (formerly Invitae), Labcorp
Classification: Uncertain significance for Primary ciliary dyskinesia. Last evaluated: 2023-03-15. Review status: criteria provided, single submitter. Criteria: Invitae Variant Classification Sherloc (09022015). Collection method: clinical testing. Allele origin: germline.
Comment: In summary, the available evidence is currently insufficient to determine the role of this variant in disease. Therefore, it has been classified as a Variant of Uncertain Significance. An algorithm developed to predict the effect of missense changes on protein structure and function (PolyPhen-2) suggests that this variant is likely to be disruptive. ClinVar contains an entry for this variant (Variation ID: 525338). This variant has not been reported in the literature in individuals affected with DNAAF1-related conditions. This variant is present in population databases (rs146607878, gnomAD 0.04%). This sequence change replaces isoleucine, which is neutral and non-polar, with valine, which is neutral and non-polar, at codon 606 of the DNAAF1 protein (p.Ile606Val).

Ambry Genetics
Classification: Uncertain significance for Primary ciliary dyskinesia. Last evaluated: 2021-08-27. Review status: criteria provided, single submitter. Criteria: Ambry Variant Classification Scheme 2023. Collection method: clinical testing. Allele origin: germline.
Comment: The p.I606V variant (also known as c.1816A>G), located in coding exon 11 of the DNAAF1 gene, results from an A to G substitution at nucleotide position 1816. The isoleucine at codon 606 is replaced by valine, an amino acid with highly similar properties. This amino acid position is highly conserved in available vertebrate species. In addition, this alteration is predicted to be tolerated by in silico analysis. Since supporting evidence is limited at this time, the clinical significance of this alteration remains unclear.